The following is an entry in ClinVar:

ClinVar aggregate classification (germline): Uncertain significance (1 of 4 stars; one submission).

Conditions:
Combined immunodeficiency due to CTPS1 deficiency. Also called: Immunodeficiency 24; Severe combined immunodeficiency due to CTPS1 deficiency. Identifiers: Orphanet 420573, MedGen C4014617, MONDO:0014391, OMIM 615897.

gnomAD v4.1: 3 of 1,614,106 alleles (0.00019%); no homozygotes.

Submission:

Labcorp Genetics (formerly Invitae), Labcorp
Classification: Uncertain significance for Combined immunodeficiency due to CTPS1 deficiency. Last evaluated: 2022-04-01. Review status: criteria provided, single submitter. Criteria: Invitae Variant Classification Sherloc (09022015). Collection method: clinical testing. Allele origin: germline.
Comment: In summary, the available evidence is currently insufficient to determine the role of this variant in disease. Therefore, it has been classified as a Variant of Uncertain Significance. Algorithms developed to predict the effect of missense changes on protein structure and function are either unavailable or do not agree on the potential impact of this missense change (SIFT: "Tolerated"; PolyPhen-2: "Benign"; Align-GVGD: "Class C25"). This variant has not been reported in the literature in individuals affected with CTPS1-related conditions. This variant is not present in population databases (gnomAD no frequency). This sequence change replaces histidine, which is basic and polar, with leucine, which is neutral and non-polar, at codon 33 of the CTPS1 protein (p.His33Leu).

NM_001905.4(CTPS1):c.98A>T (p.His33Leu)

Gene: CTPS1 (CTP synthase 1; plus strand). Cytogenetic location: 1p34.2.
Variant type: single nucleotide variant.
Coding change: c.98A>T on transcript NM_001905.4 (MANE Select); coding-DNA position 98, A replaced by T.
Protein change: p.His33Leu; replaces histidine 33 with leucine.
Molecular consequence: missense variant. On other transcripts: non-coding transcript variant (1).
Genome position (GRCh38, 1-based): chr1:40,983,388, A>T. VCF-style: chr1-40983388-A-T. GRCh37 (hg19) VCF-style: chr1-41449060-A-T.
Other names: short protein forms H33L.
Identifiers: ClinVar variation 2119038 (VCV002119038.4), dbSNP rs1288200124, ClinGen allele CA339901221.